The following is an entry in ClinVar:

NM_001987.5(ETV6):c.923A>G (p.His308Arg)

Gene: ETV6 (ETS variant transcription factor 6; plus strand). Cytogenetic location: 12p13.2.
Variant type: single nucleotide variant.
Coding change: c.923A>G on transcript NM_001987.5 (MANE Select); coding-DNA position 923, A replaced by G.
Protein change: p.His308Arg; replaces histidine 308 with arginine.
Molecular consequence: missense variant.
Genome position (GRCh38, 1-based): chr12:11,869,883, A>G. VCF-style: chr12-11869883-A-G. GRCh37 (hg19) VCF-style: chr12-12022817-A-G.
Other names: c.920A>G, p.His307Arg (NM_001413913.1); c.896A>G, p.His299Arg (NM_001413914.1); c.659A>G, p.His220Arg (NM_001413915.1); c.923A>G, p.His308Arg (NM_001413916.1, NM_001413917.1); short protein forms H220R, H307R, H299R, H308R.
Identifiers: ClinVar variation 4842522 (VCV004842522.1).

ClinVar aggregate classification (germline): Uncertain significance (1 of 4 stars; one submission).

Conditions:
Inborn genetic diseases. Identifiers: MedGen C0950123, MeSH D030342.

gnomAD v4.1: 1 of 1,612,710 alleles (0.000062%); highest among the groups gnomAD compares: East Asian, 0.0022%; no homozygotes.

Submission:

Ambry Genetics
Classification: Uncertain significance for Inborn genetic diseases. Last evaluated: 2025-12-24. Review status: criteria provided, single submitter. Criteria: Ambry Variant Classification Scheme 2023. Collection method: clinical testing. Allele origin: germline.
Comment: The p.H308R variant (also known as c.923A>G), located in coding exon 5 of the ETV6 gene, results from an A to G substitution at nucleotide position 923. The histidine at codon 308 is replaced by arginine, an amino acid with highly similar properties. This amino acid position is conserved. In addition, this alteration is predicted to be tolerated by in silico analysis. Based on the available evidence, the clinical significance of this variant remains unclear.